The following is an entry in ClinVar:

ClinVar aggregate classification (germline): Uncertain significance. Review status: criteria provided, multiple submitters, no conflicts (2 of 4 stars). 3 submissions from 3 submitters: Uncertain significance (3). Last evaluated 2025-01-11.

Conditions:
Geleophysic dysplasia 2 (GPHYSD2). Identifiers: Orphanet 2623, MedGen C3280054, MONDO:0013612, OMIM 614185.
Progeroid and marfanoid aspect-lipodystrophy syndrome. Also called: MARFANOID-PROGEROID-LIPODYSTROPHY SYNDROME; MARFANOID-PROGEROID SYNDROME; MARFAN-PROGEROID-LIPODYSTROPHY SYNDROME; Marfan lipodystrophy syndrome. Identifiers: Orphanet 300382, MedGen C4310796, MONDO:0014831, OMIM 616914.
Marfan syndrome (MFS). Also called: MARFAN SYNDROME, TYPE I; Marfan syndrome type 1; Marfan's syndrome; Marfan syndrome, classic; FBN1-Related Marfan Syndrome. Identifiers: Orphanet 284963, Orphanet 558, MedGen C0024796, MONDO:0007947, OMIM 154700.
Ectopia lentis 1, isolated, autosomal dominant (ECTOL1). Identifiers: Orphanet 1885, MedGen C3541518, MONDO:0007514, OMIM 129600.
Stiff skin syndrome (SSKS). Identifiers: Orphanet 2833, MedGen C1861456, MONDO:0008492, OMIM 184900.
MASS syndrome (OCTD). Also called: MASS PHENOTYPE; OVERLAP CONNECTIVE TISSUE DISEASE. Identifiers: MedGen C1858556, MONDO:0011431, OMIM 604308.
Acromicric dysplasia (ACMICD). Also called: Acromicric skeletal dysplasia. Identifiers: Orphanet 969, MedGen C0265287, MONDO:0007055, OMIM 102370.
Weill-Marchesani syndrome 2, dominant. Also called: Weill-Marchesani Syndrome, Autosomal Dominant; FBN1-Related Weill-Marchesani Syndrome. Identifiers: Orphanet 2084, MedGen C1869115, MONDO:0012013, OMIM 608328.
Familial thoracic aortic aneurysm and aortic dissection (TAAD). Also called: Thoracic aortic aneurysms and dissections. Identifiers: Orphanet 91387, MedGen C4707243, MONDO:0019625.

Submissions (3):

Labcorp Genetics (formerly Invitae), Labcorp
Classification: Uncertain significance for Marfan syndrome; Familial thoracic aortic aneurysm and aortic dissection. Last evaluated: 2025-01-11. Review status: criteria provided, single submitter. Criteria: Invitae Variant Classification Sherloc (09022015). Collection method: clinical testing. Allele origin: germline.
Comment: This sequence change replaces isoleucine, which is neutral and non-polar, with valine, which is neutral and non-polar, at codon 1856 of the FBN1 protein (p.Ile1856Val). This variant is not present in population databases (gnomAD no frequency). This variant has not been reported in the literature in individuals affected with FBN1-related conditions. ClinVar contains an entry for this variant (Variation ID: 1447064). Invitae Evidence Modeling of protein sequence and biophysical properties (such as structural, functional, and spatial information, amino acid conservation, physicochemical variation, residue mobility, and thermodynamic stability) indicates that this missense variant is not expected to disrupt FBN1 protein function with a negative predictive value of 95%. In summary, the available evidence is currently insufficient to determine the role of this variant in disease. Therefore, it has been classified as a Variant of Uncertain Significance.

Greenwood Genetic Center Diagnostic Laboratories, Greenwood Genetic Center
Classification: Uncertain significance. Last evaluated: 2022-05-03. Review status: criteria provided, single submitter. Criteria: ACMG Guidelines, 2015. Collection method: clinical testing. Allele origin: germline. Affected: yes.
Comment: PM2, PP2

Fulgent Genetics
Classification: Uncertain significance for Acromicric dysplasia; Ectopia lentis 1, isolated, autosomal dominant; Marfan syndrome; Stiff skin syndrome; MASS syndrome; Weill-Marchesani syndrome 2, dominant; Geleophysic dysplasia 2; Progeroid and marfanoid aspect-lipodystrophy syndrome. Last evaluated: 2021-08-11. Review status: criteria provided, single submitter. Criteria: ACMG Guidelines, 2015. Collection method: clinical testing. Allele origin: unknown.

NM_000138.5(FBN1):c.5566A>G (p.Ile1856Val)

Gene: FBN1 (fibrillin 1; minus strand). Cytogenetic location: 15q21.1.
Variant type: single nucleotide variant.
Coding change: c.5566A>G on transcript NM_000138.5 (MANE Select); coding-DNA position 5566, A replaced by G.
Protein change: p.Ile1856Val; replaces isoleucine 1856 with valine.
Molecular consequence: missense variant.
Genome position (GRCh38, 1-based): chr15:48,448,873, T>C on the plus strand (A>G on the coding strand, the complement: FBN1 is on the minus strand). VCF-style: chr15-48448873-T-C. GRCh37 (hg19) VCF-style: chr15-48741070-T-C.
Other names: short protein forms I1856V.
Identifiers: ClinVar variation 1447064 (VCV001447064.14), dbSNP rs2141252254, ClinGen allele CA392342417.